The following is an entry in ClinVar:

NM_001369268.1(ACAN):c.2307G>A (p.Glu769=)

Gene: ACAN (aggrecan; plus strand). Cytogenetic location: 15q26.1.
Variant type: single nucleotide variant.
Coding change: c.2307G>A on transcript NM_001369268.1 (MANE Select); coding-DNA position 2307, G replaced by A.
Protein change: p.Glu769=; no amino-acid change (glutamic acid 769 retained).
Molecular consequence: synonymous variant.
Genome position (GRCh38, 1-based): chr15:88,854,892, G>A. VCF-style: chr15-88854892-G-A. GRCh37 (hg19) VCF-style: chr15-89398123-G-A.
Other names: c.2307G>A, p.Glu769= (NM_001135.4, NM_001411096.1, NM_001411097.1 and 1 more transcripts).
Identifiers: ClinVar variation 5040946 (VCV005040946.1).

ClinVar aggregate classification (germline): Likely benign (1 of 4 stars; one submission).

gnomAD v4.1: 508 of 1,537,772 alleles (0.033%); highest among the groups gnomAD compares: Admixed American, 1%; 7 homozygotes.

Submission:

CeGaT Center for Human Genetics Tuebingen
Classification: Likely benign. Last evaluated: 2026-09-01. Review status: criteria provided, single submitter. Criteria: CeGaT Center For Human Genetics Tuebingen Variant Classification Criteria Version 2. Collection method: clinical testing. Allele origin: germline. Affected: yes. Observed: 1 variant allele.
Comment: ACAN: BP4, BP7, BS1